The following is an entry in ClinVar:

NM_000057.4(BLM):c.1026G>T (p.Leu342Phe)

Gene: BLM (BLM RecQ like helicase; plus strand). Cytogenetic location: 15q26.1.
Variant type: single nucleotide variant.
Coding change: c.1026G>T on transcript NM_000057.4 (MANE Select); coding-DNA position 1026, G replaced by T.
Protein change: p.Leu342Phe; replaces leucine 342 with phenylalanine.
Molecular consequence: missense variant. On other transcripts: 5 prime UTR variant (1).
Genome position (GRCh38, 1-based): chr15:90,754,877, G>T. VCF-style: chr15-90754877-G-T. GRCh37 (hg19) VCF-style: chr15-91298107-G-T.
Other names: c.1026G>T, p.Leu342Phe (NM_001287246.2, NM_001287247.2); c.-266G>T (NM_001287248.2); short protein forms L342F.
Identifiers: ClinVar variation 3991671 (VCV003991671.1).

ClinVar aggregate classification (germline): Uncertain significance (1 of 4 stars; one submission).

Conditions:
Hereditary cancer-predisposing syndrome. Also called: Tumor predisposition; Hereditary neoplastic syndrome; Neoplastic Syndromes, Hereditary; Hereditary Cancer Syndrome. Identifiers: Orphanet 140162, MedGen C0027672, MeSH D009386, MONDO:0015356.

Submission:

Ambry Genetics
Classification: Uncertain significance for Hereditary cancer-predisposing syndrome. Last evaluated: 2025-05-17. Review status: criteria provided, single submitter. Criteria: Ambry Variant Classification Scheme 2023. Collection method: clinical testing. Allele origin: germline.
Comment: The p.L342F variant (also known as c.1026G>T), located in coding exon 4 of the BLM gene, results from a G to T substitution at nucleotide position 1026. The leucine at codon 342 is replaced by phenylalanine, an amino acid with highly similar properties. This amino acid position is conserved. In addition, this alteration is predicted to be tolerated by in silico analysis. Based on the available evidence, the clinical significance of this variant remains unclear.